The following is an entry in ClinVar:

ClinVar aggregate classification (germline): Pathogenic/Likely pathogenic. Review status: criteria provided, multiple submitters, no conflicts (2 of 4 stars). 3 submissions from 3 submitters: Pathogenic (1); Likely pathogenic (1). 1 of the submissions does not count toward it. Last evaluated 2024-06-28.

Conditions:
Primary ciliary dyskinesia. Also called: Ciliary dyskinesia. Identifiers: Orphanet 244, MedGen C0008780, MONDO:0016575, HP:0012265.
Primary ciliary dyskinesia 3. Identifiers: Orphanet 244, MedGen C1837618, MONDO:0012085, OMIM 608644.

gnomAD v4.1: 1 of 1,613,788 alleles (0.000062%); highest among the groups gnomAD compares: Non-Finnish European, 0.000085%; no homozygotes.

Submissions (3):

Natera, Inc.
Classification: Likely pathogenic for Primary ciliary dyskinesia. Last evaluated: 2024-06-28. Review status: criteria provided, single submitter. Criteria: Natera Variant Classification Schema (03/2026). Collection method: clinical testing. Allele origin: germline.
Comment: The c.12910-1G>C variant in DNAH5 is a canonical splice acceptor site variant predicted to affect pre-mRNA splicing, which may result in an abnormal transcript and altered protein product. This variant may result in a truncated or dysfunctional protein product. This variant is rare in the general population with a frequency below the threshold expected for the associated phenotype(s). This variant has been observed in one or more individuals affected with the associated recessive disease, as either homozygous or compound heterozygous with a second variant (PMID: 11788826). Additionally, this variant has been observed to segregate in affected family members (PMID: 11788826). Given the available evidence, this variant is classified as Likely Pathogenic.

Labcorp Genetics (formerly Invitae), Labcorp
Classification: Pathogenic for Primary ciliary dyskinesia. Last evaluated: 2024-01-19. Review status: criteria provided, single submitter. Criteria: Invitae Variant Classification Sherloc (09022015). Collection method: clinical testing. Allele origin: germline.
Comment: This sequence change affects an acceptor splice site in intron 74 of the DNAH5 gene. It is expected to disrupt RNA splicing. Variants that disrupt the donor or acceptor splice site typically lead to a loss of protein function (PMID: 16199547), and loss-of-function variants in DNAH5 are known to be pathogenic (PMID: 11788826, 16627867). This variant is not present in population databases (gnomAD no frequency). Disruption of this splice site has been observed in individual(s) with primary ciliary dyskinesia (PMID: 11788826). This variant is also known as IVS74-1G>C. ClinVar contains an entry for this variant (Variation ID: 566788). Algorithms developed to predict the effect of sequence changes on RNA splicing suggest that this variant may disrupt the consensus splice site. For these reasons, this variant has been classified as Pathogenic.

OMIM
Classification: Pathogenic for CILIARY DYSKINESIA, PRIMARY, 3. Last evaluated: 2002-02-01. Review status: no assertion criteria provided. Collection method: literature only. Allele origin: germline. Not counted in ClinVar's aggregate classification.

Literature cited by the submitters: PubMed 11788826 (cited by 3 submitters); PubMed 16199547 (cited by Labcorp Genetics (formerly Invitae), Labcorp); PubMed 16627867 (cited by Labcorp Genetics (formerly Invitae), Labcorp).

NM_001369.3(DNAH5):c.12910-1G>C

Gene: DNAH5 (dynein axonemal heavy chain 5; minus strand). Cytogenetic location: 5p15.2.
Variant type: single nucleotide variant.
Coding change: c.12910-1G>C on transcript NM_001369.3 (MANE Select); the canonical splice acceptor site of the intron before coding-DNA position 12910, G replaced by C.
Molecular consequence: splice acceptor variant.
Genome position (GRCh38, 1-based): chr5:13,714,621, C>G on the plus strand (G>C on the coding strand, the complement: DNAH5 is on the minus strand). VCF-style: chr5-13714621-C-G. GRCh37 (hg19) VCF-style: chr5-13714730-C-G.
Other names: IVS74AS, G-C, -1.
Identifiers: ClinVar variation 566788 (VCV000566788.11), dbSNP rs1561097225, ClinGen allele CA359202700.
Genomic context (GRCh38, chr5:13,714,621, plus strand): 5'-GGTGATGTCAGCATTGGGGTGCAGCCCAAACACCTCAGGGCTGTCATAGGCAGGCAAACT[C>G]TGAACAACAGACACCCCAGATAAGCACAGACTGCCAACATAAGCACCGTCTAAATTACAC-3'